The following is an entry in ClinVar:

ClinVar aggregate classification (germline): Uncertain significance (1 of 4 stars; one submission).

Submission:

Labcorp Genetics (formerly Invitae), Labcorp
Classification: Uncertain significance. Last evaluated: 2022-10-17. Review status: criteria provided, single submitter. Criteria: Invitae Variant Classification Sherloc (09022015). Collection method: clinical testing. Allele origin: germline.
Comment: In summary, the available evidence is currently insufficient to determine the role of this variant in disease. Therefore, it has been classified as a Variant of Uncertain Significance. Experimental studies and prediction algorithms are not available or were not evaluated, and the functional significance of this variant is currently unknown. ClinVar contains an entry for this variant (Variation ID: 999867). This variant has not been reported in the literature in individuals affected with CNNM4-related conditions. This variant is present in population databases (no rsID available, gnomAD 0.001%). This variant, c.91_99dup, results in the insertion of 3 amino acid(s) of the CNNM4 protein (p.Trp31_Leu33dup), but otherwise preserves the integrity of the reading frame.

NM_020184.4(CNNM4):c.91_99dup (p.Trp31_Leu33dup)

Gene: CNNM4 (cyclin and CBS domain divalent metal cation transport mediator 4; plus strand). Cytogenetic location: 2q11.2.
Variant type: Duplication.
Coding change: c.91_99dup on transcript NM_020184.4 (MANE Select); coding-DNA positions 91 to 99, 9 bases duplicated (TGGGCGCTG; older notation c.91_99dupTGGGCGCTG).
Protein change: p.Trp31_Leu33dup.
Molecular consequence: inframe insertion.
Genome position (GRCh38, 1-based): chr2:96,761,090-96,761,098, TGGGCGCTG duplicated; duplicating any 9 consecutive bases within chr2:96,761,086-96,761,098 gives the same sequence; the c. name uses the placement nearest the transcript's 3' end. VCF-style (leftmost placement, unchanged base first): chr2-96761085-T-TGCTGTGGGC. GRCh37 (hg19) VCF-style: chr2-97426822-T-TGCTGTGGGC.
Identifiers: ClinVar variation 999867 (VCV000999867.8), dbSNP rs1191837197, ClinGen allele CA534636478.